The following is an entry in ClinVar:

ClinVar aggregate classification (germline): Uncertain significance. Review status: criteria provided, multiple submitters, no conflicts (2 of 4 stars). 5 submissions from 5 submitters: Uncertain significance (5). Last evaluated 2025-01-16.

Conditions:
Agammaglobulinemia 4, autosomal recessive (AGM4). Also called: AGAMMAGLOBULINEMIA, AUTOSOMAL RECESSIVE, DUE TO BLNK DEFECT; B cell linker protein deficiency. Identifiers: MedGen C3150752, MONDO:0013289, OMIM 613502.

Allele frequency attached by ClinVar (database versions not stated): 1000 Genomes Project 30x 0.00016; 1000 Genomes Project 0.00020; TOPMed 0.00063; gnomAD 0.00071 and 0.00077; gnomAD exomes 0.00099 and 0.00072; ExAC 0.00075; ESP Exome Variant Server 0.00077.
gnomAD v4.1: 1,525 of 1,607,588 alleles (0.095%); highest among the groups gnomAD compares: Non-Finnish European, 0.12%; no homozygotes.

Submissions (5):

Labcorp Genetics (formerly Invitae), Labcorp
Classification: Uncertain significance for Agammaglobulinemia 4, autosomal recessive. Last evaluated: 2025-01-16. Review status: criteria provided, single submitter. Criteria: Invitae Variant Classification Sherloc (09022015). Collection method: clinical testing. Allele origin: germline.
Comment: This sequence change replaces glycine, which is neutral and non-polar, with arginine, which is basic and polar, at codon 30 of the BLNK protein (p.Gly30Arg). This variant is present in population databases (rs143109144, gnomAD 0.1%), and has an allele count higher than expected for a pathogenic variant. This variant has not been reported in the literature in individuals affected with BLNK-related conditions. ClinVar contains an entry for this variant (Variation ID: 538834). Invitae Evidence Modeling of protein sequence and biophysical properties (such as structural, functional, and spatial information, amino acid conservation, physicochemical variation, residue mobility, and thermodynamic stability) indicates that this missense variant is expected to disrupt BLNK protein function with a positive predictive value of 80%. In summary, the available evidence is currently insufficient to determine the role of this variant in disease. Therefore, it has been classified as a Variant of Uncertain Significance.

Blueprint Genetics
Classification: Uncertain significance. Last evaluated: 2024-11-22. Review status: criteria provided, single submitter. Criteria: ACMG Guidelines, 2015. Collection method: clinical testing. Allele origin: germline.

CeGaT Center for Human Genetics Tuebingen
Classification: Uncertain significance. Last evaluated: 2024-07-01. Review status: criteria provided, single submitter. Criteria: CeGaT Center For Human Genetics Tuebingen Variant Classification Criteria Version 2. Collection method: clinical testing. Allele origin: germline. Affected: yes. Observed: 1 variant allele.

Department of Pathology and Laboratory Medicine, Sinai Health System
Classification: Uncertain significance for agammaglobulinemia 4, autosomal recessive. Last evaluated: 2022-01-25. Review status: criteria provided, single submitter. Criteria: ACMG Guidelines, 2015. Collection method: research. Allele origin: germline.

Mayo Clinic Laboratories, Mayo Clinic
Classification: Uncertain significance. Last evaluated: 2019-12-19. Review status: criteria provided, single submitter. Criteria: ACMG Guidelines, 2015. Collection method: clinical testing. Allele origin: germline. Observed: 1 variant allele.

NM_013314.4(BLNK):c.88G>C (p.Gly30Arg)

Gene: BLNK (B cell linker; minus strand). Cytogenetic location: 10q24.1.
Variant type: single nucleotide variant.
Coding change: c.88G>C on transcript NM_013314.4 (MANE Select); coding-DNA position 88, G replaced by C.
Protein change: p.Gly30Arg; replaces glycine 30 with arginine.
Molecular consequence: missense variant. On other transcripts: non-coding transcript variant (4).
Genome position (GRCh38, 1-based): chr10:96,247,009, C>G on the plus strand (G>C on the coding strand, the complement: BLNK is on the minus strand). VCF-style: chr10-96247009-C-G. GRCh37 (hg19) VCF-style: chr10-98006765-C-G.
Other names: c.88G>C, p.Gly30Arg (NM_001114094.2, NM_001258440.2, NM_001258441.2 and 1 more transcripts); short protein forms G30R.
Identifiers: ClinVar variation 538834 (VCV000538834.31), dbSNP rs143109144, ClinGen allele CA5623610.